The following is an entry in ClinVar:

ClinVar aggregate classification (germline): Uncertain significance. Review status: criteria provided, multiple submitters, no conflicts (2 of 4 stars). 2 submissions from 2 submitters: Uncertain significance (2). Last evaluated 2025-11-08.

Conditions:
Inborn genetic diseases. Identifiers: MedGen C0950123, MeSH D030342.

Allele frequency attached by ClinVar (database versions not stated): ESP Exome Variant Server 0.00008; 1000 Genomes Project 30x 0.00031; gnomAD 0.00005 and 0.00006; 1000 Genomes Project 0.00040.
gnomAD v4.1: 15 of 1,613,294 alleles (0.00093%); highest among the groups gnomAD compares: African/African-American, 0.016%; no homozygotes.

Submissions (2):

Ambry Genetics
Classification: Uncertain significance for Inborn genetic diseases. Last evaluated: 2025-11-08. Review status: criteria provided, single submitter. Criteria: Ambry Variant Classification Scheme 2023. Collection method: clinical testing. Allele origin: germline.

Labcorp Genetics (formerly Invitae), Labcorp
Classification: Uncertain significance. Last evaluated: 2025-07-14. Review status: criteria provided, single submitter. Criteria: Invitae Variant Classification Sherloc (09022015). Collection method: clinical testing. Allele origin: germline.
Comment: This sequence change replaces arginine, which is basic and polar, with serine, which is neutral and polar, at codon 88 of the SNX10 protein (p.Arg88Ser). This variant is present in population databases (rs370848315, gnomAD 0.02%). This variant has not been reported in the literature in individuals affected with SNX10-related conditions. ClinVar contains an entry for this variant (Variation ID: 1495719). An algorithm developed to predict the effect of missense changes on protein structure and function (PolyPhen-2) suggests that this variant is likely to be tolerated. In summary, the available evidence is currently insufficient to determine the role of this variant in disease. Therefore, it has been classified as a Variant of Uncertain Significance.

NM_013322.3(SNX10):c.262C>A (p.Arg88Ser)

Gene: SNX10 (sorting nexin 10; plus strand). Cytogenetic location: 7p15.2.
Variant type: single nucleotide variant.
Coding change: c.262C>A on transcript NM_013322.3 (MANE Select); coding-DNA position 262, C replaced by A.
Protein change: p.Arg88Ser; replaces arginine 88 with serine.
Molecular consequence: missense variant.
Genome position (GRCh38, 1-based): chr7:26,365,096, C>A. VCF-style: chr7-26365096-C-A. GRCh37 (hg19) VCF-style: chr7-26404716-C-A.
Other names: c.262C>A, p.Arg88Ser (NM_001199835.1, NM_001318199.3); c.253C>A, p.Arg85Ser (NM_001199837.3); c.10C>A, p.Arg4Ser (NM_001199838.2); c.340C>A, p.Arg114Ser (NM_001318198.1, NM_001362753.1, NM_001362754.1); short protein forms R4S, R88S, R85S, R114S.
Identifiers: ClinVar variation 1495719 (VCV001495719.9), dbSNP rs370848315, ClinGen allele CA4195217.